The following is an entry in ClinVar:

NM_001849.4(COL6A2):c.2297A>G (p.Lys766Arg)

Gene: COL6A2 (collagen type VI alpha 2 chain; plus strand). Cytogenetic location: 21q22.3.
Variant type: single nucleotide variant.
Coding change: c.2297A>G on transcript NM_001849.4 (MANE Select); coding-DNA position 2297, A replaced by G.
Protein change: p.Lys766Arg; replaces lysine 766 with arginine.
Molecular consequence: missense variant.
Genome position (GRCh38, 1-based): chr21:46,126,112, A>G. VCF-style: chr21-46126112-A-G. GRCh37 (hg19) VCF-style: chr21-47546026-A-G.
Other names: c.2297A>G, p.Lys766Arg (NM_058174.3, NM_058175.3); short protein forms K766R.
Identifiers: ClinVar variation 3637846 (VCV003637846.2).

ClinVar aggregate classification (germline): Uncertain significance (1 of 4 stars; one submission).

Conditions:
Bethlem myopathy 1A. Also called: Bethlem myopathy 1; MYOPATHY, BENIGN CONGENITAL, WITH CONTRACTURES; Bethlem Muscular Dystrophy. Identifiers: Orphanet 610, MedGen CN029274, MONDO:0024530, OMIM 158810.

Submission:

Labcorp Genetics (formerly Invitae), Labcorp
Classification: Uncertain significance for Bethlem myopathy 1A. Last evaluated: 2025-10-02. Review status: criteria provided, single submitter. Criteria: Invitae Variant Classification Sherloc (09022015). Collection method: clinical testing. Allele origin: germline.
Comment: This sequence change replaces lysine, which is basic and polar, with arginine, which is basic and polar, at codon 766 of the COL6A2 protein (p.Lys766Arg). This variant is not present in population databases (gnomAD no frequency). This variant has not been reported in the literature in individuals affected with COL6A2-related conditions. ClinVar contains an entry for this variant (Variation ID: 3637846). Invitae Evidence Modeling of protein sequence and biophysical properties (such as structural, functional, and spatial information, amino acid conservation, physicochemical variation, residue mobility, and thermodynamic stability) indicates that this missense variant is not expected to disrupt COL6A2 protein function with a negative predictive value of 95%. In summary, the available evidence is currently insufficient to determine the role of this variant in disease. Therefore, it has been classified as a Variant of Uncertain Significance.